The following is an entry in ClinVar:

ClinVar aggregate classification (germline): Uncertain significance (1 of 4 stars; one submission).

Conditions:
Kabuki syndrome. Also called: NIIKAWA-KUROKI SYNDROME; Kabuki make-up syndrome. Identifiers: Orphanet 2322, MedGen C0796004, MONDO:0016512.

gnomAD v4.1: 1 of 1,587,838 alleles (0.000063%); highest among the groups gnomAD compares: South Asian, 0.0011%; no homozygotes.

Submission:

Labcorp Genetics (formerly Invitae), Labcorp
Classification: Uncertain significance for Kabuki syndrome. Last evaluated: 2024-08-09. Review status: criteria provided, single submitter. Criteria: Invitae Variant Classification Sherloc (09022015). Collection method: clinical testing. Allele origin: germline.
Comment: This sequence change replaces alanine, which is neutral and non-polar, with valine, which is neutral and non-polar, at codon 138 of the KMT2D protein (p.Ala138Val). This variant is not present in population databases (gnomAD no frequency). This variant has not been reported in the literature in individuals affected with KMT2D-related conditions. Advanced modeling of protein sequence and biophysical properties (such as structural, functional, and spatial information, amino acid conservation, physicochemical variation, residue mobility, and thermodynamic stability) performed at Invitae indicates that this missense variant is not expected to disrupt KMT2D protein function with a negative predictive value of 95%. In summary, the available evidence is currently insufficient to determine the role of this variant in disease. Therefore, it has been classified as a Variant of Uncertain Significance.

NM_003482.4(KMT2D):c.413C>T (p.Ala138Val)

Gene: KMT2D (lysine methyltransferase 2D; minus strand). Cytogenetic location: 12q13.12.
Variant type: single nucleotide variant.
Coding change: c.413C>T on transcript NM_003482.4 (MANE Select); coding-DNA position 413, C replaced by T.
Protein change: p.Ala138Val; replaces alanine 138 with valine.
Molecular consequence: missense variant.
Genome position (GRCh38, 1-based): chr12:49,054,404, G>A on the plus strand (C>T on the coding strand, the complement: KMT2D is on the minus strand). VCF-style: chr12-49054404-G-A. GRCh37 (hg19) VCF-style: chr12-49448187-G-A.
Other names: short protein forms A138V.
Identifiers: ClinVar variation 3635176 (VCV003635176.2).
Genomic context (GRCh38, chr12:49,054,404, plus strand): 5'-CATAGTTCTGGGCCCTCCTGCCCCCATACGCCTGCCGACCATGCAGCACACCAATGGTGA[G>A]CCCAGCAGGACCCTTTACAGGTGGGAAGAGGTAAAGAGAAAGGAAAGAATTAACAAAAAG-3'
Protein context (NP_003473.3, residues 128-148): HLGEPGGSCW[Ala138Val]HHWCAAWSAG